The following is an entry in ClinVar:

ClinVar aggregate classification (germline): Likely benign (1 of 4 stars; one submission).

Submission:

Mayo Clinic Laboratories, Mayo Clinic
Classification: Likely benign. Last evaluated: 2025-08-13. Review status: criteria provided, single submitter. Criteria: ACMG Guidelines, 2015. Collection method: clinical testing. Allele origin: germline. Observed: 1 variant allele.
Comment: BS1, BP4, BP7

NM_002076.4(GNS):c.253-24G>A

Gene: GNS (glucosamine (N-acetyl)-6-sulfatase; minus strand). Cytogenetic location: 12q14.3.
Variant type: single nucleotide variant.
Coding change: c.253-24G>A on transcript NM_002076.4 (MANE Select); 24 bases into the intron before coding-DNA position 253, G replaced by A.
Molecular consequence: intron variant.
Genome position (GRCh38, 1-based): chr12:64,747,942, C>T on the plus strand (G>A on the coding strand, the complement: GNS is on the minus strand). VCF-style: chr12-64747942-C-T. GRCh37 (hg19) VCF-style: chr12-65141722-C-T.
Other names: p.?.
Identifiers: ClinVar variation 4683764 (VCV004683764.1).